The following is an entry in ClinVar:

ClinVar aggregate classification (germline): Likely benign. Review status: criteria provided, multiple submitters, no conflicts (2 of 4 stars). 2 submissions from 2 submitters: Likely benign (2). Last evaluated 2026-09-04.

Conditions:
Peroxisome biogenesis disorder 11A (Zellweger). Also called: Peroxisome biogenesis disorder 11A. Identifiers: Orphanet 912, MedGen C3554000, MONDO:0013949, OMIM 614883.
PEX13-related disorder. Also called: PEX13-related disorders; PEX13-related condition.

Submissions (2):

PreventionGenetics, part of Exact Sciences
Classification: Likely benign for PEX13-related condition. Last evaluated: 2026-09-04. Review status: criteria provided, single submitter. Criteria: ACMG Guidelines, 2015. Collection method: clinical testing. Allele origin: germline.
Comment: This variant is classified as likely benign based on ACMG/AMP sequence variant interpretation guidelines (Richards et al. 2015 PMID: 25741868, with internal and published modifications).

Labcorp Genetics (formerly Invitae), Labcorp
Classification: Likely benign for Peroxisome biogenesis disorder 11A (Zellweger). Last evaluated: 2023-08-10. Review status: criteria provided, single submitter. Criteria: Invitae Variant Classification Sherloc (09022015). Collection method: clinical testing. Allele origin: germline.

NM_002618.4(PEX13):c.1203A>G (p.Gln401=)

Gene: PEX13 (peroxisomal biogenesis factor 13; plus strand). Cytogenetic location: 2p15.
Variant type: single nucleotide variant.
Coding change: c.1203A>G on transcript NM_002618.4 (MANE Select); coding-DNA position 1203, A replaced by G.
Protein change: p.Gln401=; no amino-acid change (glutamine 401 retained).
Molecular consequence: synonymous variant.
Genome position (GRCh38, 1-based): chr2:61,048,761, A>G. VCF-style: chr2-61048761-A-G. GRCh37 (hg19) VCF-style: chr2-61275896-A-G.
Other names: c.1203A>G (NM_002618.3).
Identifiers: ClinVar variation 1628898 (VCV001628898.10), dbSNP rs2104814800, ClinGen allele CA426188443.